The following is an entry in ClinVar:

ClinVar aggregate classification (germline): Pathogenic. Review status: criteria provided, single submitter (1 of 4 stars). 2 submissions from 2 submitters: Pathogenic (1). 1 of the submissions does not count toward it. Last evaluated 2022-12-05.

Conditions:
Sotos syndrome (SOTOS). Also called: Distinctive facial appearance, overgrowth in childhood, and learning disabilities or delayed development; CHROMOSOME 5q35 DELETION SYNDROME; Sotos' syndrome; SOTOS SYNDROME 1; CEREBRAL GIGANTISM. Identifiers: Orphanet 821, MedGen C0175695, MONDO:0019349, OMIM 117550.

Submissions (3):

GeneDx
Classification: Pathogenic. Last evaluated: 2022-12-05. Review status: criteria provided, single submitter. Criteria: GeneDx Variant Classification Process June 2021. Collection method: clinical testing. Allele origin: germline. Affected: yes.
Comment: Nonsense variant predicted to result in protein truncation or nonsense mediated decay in a gene for which loss of function is a known mechanism of disease; Not observed at significant frequency in large population cohorts (gnomAD); This variant is associated with the following publications: (PMID: 25525159, 11896389)

OMIM
Classification: Pathogenic for SOTOS SYNDROME. Last evaluated: 2003-04-01. Review status: no assertion criteria provided. Collection method: literature only. Allele origin: germline. Not counted in ClinVar's aggregate classification.

Dr. Peter K. Rogan Lab, Western University
No classification provided (evidence only). Condition: Squamous cell lung carcinoma. Review status: no classification provided. Collection method: in vitro. Allele origin: not applicable. Functional consequence: retained intron. Not counted in ClinVar's aggregate classification.

Literature cited by the submitters: PubMed 11896389 (cited by OMIM); PubMed 12676901 (cited by OMIM).

NM_022455.5(NSD1):c.1310C>G (p.Ser437Ter)

Gene: NSD1 (nuclear receptor binding SET domain protein 1; plus strand). Cytogenetic location: 5q35.3.
Variant type: single nucleotide variant.
Coding change: c.1310C>G on transcript NM_022455.5 (MANE Select); coding-DNA position 1310, C replaced by G.
Protein change: p.Ser437Ter; replaces serine 437 with a stop codon.
Molecular consequence: nonsense.
Genome position (GRCh38, 1-based): chr5:177,209,709, C>G. VCF-style: chr5-177209709-C-G. GRCh37 (hg19) VCF-style: chr5-176636710-C-G.
Other names: NC_000005.9:g.176636710C>G; c.437C>G, p.Ser146Ter (NM_001365684.2, NM_001409306.1, NM_001409307.1 and 3 more transcripts); c.1310C>G, p.Ser437Ter (NM_001409301.1, NM_001409302.1, NM_001409303.1); c.890C>G, p.Ser297Ter (NM_001409304.1); c.557C>G, p.Ser186Ter (NM_001409305.1); short protein forms S437*, S168*, S186*, S297*, S146*.
Identifiers: ClinVar variation 4135 (VCV000004135.5), dbSNP rs121908067, ClinGen allele CA281537.
Genomic context (GRCh38, chr5:177,209,709, plus strand): 5'-TTTTGAGTAAATGGGAAGCCAGTGTTGGACTTGCAGAACAGTATGATGTTCCCAAGGGGT[C>G]AAAGAACCGAAAATGTATTCCTGGTTCAATCAAGTTGGACAGTGAAGAAGATATGCCATT-3'